The following is an entry in ClinVar:

NM_004519.4(KCNQ3):c.*7131G>A

Gene: KCNQ3 (potassium voltage-gated channel subfamily Q member 3; minus strand). Cytogenetic location: 8q24.22.
Variant type: single nucleotide variant.
Coding change: c.*7131G>A on transcript NM_004519.4 (MANE Select); 7131 bases downstream of the stop codon, G replaced by A.
Molecular consequence: 3 prime UTR variant.
Genome position (GRCh38, 1-based): chr8:132,122,131, C>T on the plus strand (G>A on the coding strand, the complement: KCNQ3 is on the minus strand). VCF-style: chr8-132122131-C-T. GRCh37 (hg19) VCF-style: chr8-133134378-C-T.
Other names: c.*7131G>A (NM_001204824.2).
Identifiers: ClinVar variation 361760 (VCV000361760.7), dbSNP rs75865310, ClinGen allele CA10630111.
Genomic context (GRCh38, chr8:132,122,131, plus strand): 5'-AGGAGCTAGGGCCTGATTTGAGAGGAAGAAGGGGGAGAGAGAATGAGCTTTCCAGGTACA[C>T]GGGCTTTGGTTGAATATGCAGCTCTACTTCTTACAATGTGTGACCTTTGACAAGGTCTTG-3'

ClinVar aggregate classification (germline): Benign. Review status: criteria provided, multiple submitters, no conflicts (2 of 4 stars). 2 submissions from 2 submitters: Benign (2). Last evaluated 2018-01-13.

Conditions:
Seizures, benign familial neonatal, 2. Also called: CONVULSIONS, BENIGN FAMILIAL NEONATAL, 2; KCNQ3-Related Self-Limited Familial Neonatal Epilepsy (SLFNE); Benign Neonatal Epilepsy 2; KCNQ3-Related Benign Familial Neonatal Epilepsy; Seizures, benign neonatal, 2. Identifiers: Orphanet 1949, MedGen C1852581, MONDO:0007366, OMIM 121201.

Allele frequency attached by ClinVar (database versions not stated): 1000 Genomes Project 30x 0.02592; gnomAD 0.05438 and 0.05282; TOPMed 0.04761; gnomAD exomes 0.10000; 1000 Genomes Project 0.02576.
gnomAD v4.1: 8,008 of 152,288 alleles (5.3%); highest among the groups gnomAD compares: Non-Finnish European, 7.9%; 273 homozygotes.

Submissions (2):

Illumina Laboratory Services, Illumina
Classification: Benign for Seizures, benign familial neonatal, 2. Last evaluated: 2018-01-13. Review status: criteria provided, single submitter. Criteria: ICSL Variant Classification Criteria 13 December 2019. Collection method: clinical testing. Allele origin: germline.
Comment: This variant was observed in the ICSL laboratory as part of a predisposition screen in an ostensibly healthy population. It had not been previously curated by ICSL or reported in the Human Gene Mutation Database (HGMD: prior to June 1st, 2018), and was therefore a candidate for classification through an automated scoring system. Utilizing variant allele frequency, disease prevalence and penetrance estimates, and inheritance mode, an automated score was calculated to assess if this variant is too frequent to cause the disease. Based on the score and internal cut-off values, a variant classified as benign is not then subjected to further curation. The score for this variant resulted in a classification of benign for this disease.

Breakthrough Genomics
Classification: Benign. Review status: criteria provided, single submitter. Criteria: ACMG Guidelines, 2015. Collection method: not provided. Allele origin: germline. Inheritance: Autosomal dominant inheritance. Affected: yes.